The following is an entry in ClinVar:

ClinVar aggregate classification (germline): Uncertain significance (1 of 4 stars; one submission).

Allele frequency attached by ClinVar (database versions not stated): TOPMed 0.00001.

Submission:

Ambry Genetics
Classification: Uncertain significance. Last evaluated: 2022-12-18. Review status: criteria provided, single submitter. Criteria: Ambry Variant Classification Scheme 2023. Collection method: clinical testing. Allele origin: germline.
Comment: The p.L883W variant (also known as c.2648T>G), located in coding exon 17 of the CTNNA3 gene, results from a T to G substitution at nucleotide position 2648. The leucine at codon 883 is replaced by tryptophan, an amino acid with similar properties. This amino acid position is conserved. In addition, this alteration is predicted to be tolerated by in silico analysis. Since supporting evidence is limited at this time, the clinical significance of this alteration remains unclear.

NM_013266.4(CTNNA3):c.2648T>G (p.Leu883Trp)

Gene: CTNNA3 (catenin alpha 3; minus strand). Cytogenetic location: 10q21.3.
Variant type: single nucleotide variant.
Coding change: c.2648T>G on transcript NM_013266.4 (MANE Select); coding-DNA position 2648, T replaced by G.
Protein change: p.Leu883Trp; replaces leucine 883 with tryptophan.
Molecular consequence: missense variant.
Genome position (GRCh38, 1-based): chr10:65,920,370, A>C on the plus strand (T>G on the coding strand, the complement: CTNNA3 is on the minus strand). VCF-style: chr10-65920370-A-C. GRCh37 (hg19) VCF-style: chr10-67680128-A-C.
Other names: c.2648T>G, p.Leu883Trp (NM_001127384.3); short protein forms L883W.
Identifiers: ClinVar variation 2450200 (VCV002450200.2), dbSNP rs2077063354, ClinGen allele CA377088665.